The following is an entry in ClinVar:

ClinVar aggregate classification (germline): Uncertain significance (1 of 4 stars; one submission).

Conditions:
Familial thoracic aortic aneurysm and aortic dissection (TAAD). Also called: Thoracic aortic aneurysms and dissections. Identifiers: Orphanet 91387, MedGen C4707243, MONDO:0019625.

Submission:

Ambry Genetics
Classification: Uncertain significance for Familial thoracic aortic aneurysm and aortic dissection. Last evaluated: 2022-10-14. Review status: criteria provided, single submitter. Criteria: Ambry Variant Classification Scheme 2023. Collection method: clinical testing. Allele origin: germline.
Comment: The p.I222V variant (also known as c.664A>G), located in coding exon 4 of the PRKG1 gene, results from an A to G substitution at nucleotide position 664. The isoleucine at codon 222 is replaced by valine, an amino acid with highly similar properties. This amino acid position is conserved. In addition, the in silico prediction for this alteration is inconclusive. Since supporting evidence is limited at this time, the clinical significance of this alteration remains unclear.

NM_006258.4(PRKG1):c.664A>G (p.Ile222Val)

Gene: PRKG1 (protein kinase cGMP-dependent 1; plus strand). Cytogenetic location: 10q21.1.
Variant type: single nucleotide variant.
Coding change: c.664A>G on transcript NM_006258.4 (MANE Select); coding-DNA position 664, A replaced by G.
Protein change: p.Ile222Val; replaces isoleucine 222 with valine.
Molecular consequence: missense variant.
Genome position (GRCh38, 1-based): chr10:51,804,656, A>G. VCF-style: chr10-51804656-A-G. GRCh37 (hg19) VCF-style: chr10-53564416-A-G.
Other names: c.619A>G, p.Ile207Val (NM_001098512.3); c.664A>G, p.Ile222Val (NM_001374782.1); short protein forms I207V, I222V.
Identifiers: ClinVar variation 1754674 (VCV001754674.2), dbSNP rs2494026869, ClinGen allele CA376531008.